The following is an entry in ClinVar:

ClinVar aggregate classification (germline): Pathogenic (1 of 4 stars; one submission).

Conditions:
COG1 congenital disorder of glycosylation (CDG2G). Also called: CONGENITAL DISORDER OF GLYCOSYLATION, TYPE IIg; CDG IIg; CDGII/COG1 CEREBROCOSTOMANDIBULAR-LIKE SYNDROME. Identifiers: Orphanet 263508, MedGen C2931011, MONDO:0012637, OMIM 611209.

Submission:

Labcorp Genetics (formerly Invitae), Labcorp
Classification: Pathogenic for COG1 congenital disorder of glycosylation. Last evaluated: 2024-04-15. Review status: criteria provided, single submitter. Criteria: Invitae Variant Classification Sherloc (09022015). Collection method: clinical testing. Allele origin: germline.
Comment: This sequence change creates a premature translational stop signal (p.Gln896*) in the COG1 gene. It is expected to result in an absent or disrupted protein product. Loss-of-function variants in COG1 are known to be pathogenic (PMID: 16537452). This variant is not present in population databases (gnomAD no frequency). This variant has not been reported in the literature in individuals affected with COG1-related conditions. ClinVar contains an entry for this variant (Variation ID: 2027635). For these reasons, this variant has been classified as Pathogenic.

Literature cited by the submitters: PubMed 16537452.

NM_018714.3(COG1):c.2686C>T (p.Gln896Ter)

Gene: COG1 (component of oligomeric golgi complex 1; plus strand). Cytogenetic location: 17q25.1.
Variant type: single nucleotide variant.
Coding change: c.2686C>T on transcript NM_018714.3 (MANE Select); coding-DNA position 2686, C replaced by T.
Protein change: p.Gln896Ter; replaces glutamine 896 with a stop codon.
Molecular consequence: nonsense.
Genome position (GRCh38, 1-based): chr17:73,206,774, C>T. VCF-style: chr17-73206774-C-T. GRCh37 (hg19) VCF-style: chr17-71202913-C-T.
Other names: short protein forms Q896*.
Identifiers: ClinVar variation 2027635 (VCV002027635.4), dbSNP rs2061375797, ClinGen allele CA400896808.
Genomic context (GRCh38, chr17:73,206,774, plus strand): 5'-TTTGGATTGGTGACTGGTACAGAGAATCAGCTCGCCCCCCGGAGCAGTACGTTCAACTCC[C>T]AAGAACCCCATAACATCCTGCCACTGGCATCCAGTCAGATCAGGTAAAGGCTGCCAAGAG-3'